The following is an entry in ClinVar:

NM_007194.4(CHEK2):c.909-6T>A

Gene: CHEK2 (checkpoint kinase 2; minus strand). Cytogenetic location: 22q12.1.
Variant type: single nucleotide variant.
Coding change: c.909-6T>A on transcript NM_007194.4 (MANE Select); 6 bases into the intron before coding-DNA position 909, T replaced by A.
Molecular consequence: intron variant.
Genome position (GRCh38, 1-based): chr22:28,699,943, A>T on the plus strand (T>A on the coding strand, the complement: CHEK2 is on the minus strand). VCF-style: chr22-28699943-A-T. GRCh37 (hg19) VCF-style: chr22-29095931-A-T.
Other names: c.246-6T>A (NM_001437942.1, NM_001257387.3); c.708-6T>A (NM_001349956.3); c.909-6T>A (NM_145862.3); c.1002-6T>A (NM_001438295.1, NM_001438293.1); c.1038-6T>A (NM_001438294.1, NM_001005735.3).
Identifiers: ClinVar variation 2707776 (VCV002707776.4), dbSNP rs2517851798, ClinGen allele CA2697552631.

ClinVar aggregate classification (germline): Uncertain significance. Review status: criteria provided, multiple submitters, no conflicts (2 of 4 stars). 2 submissions from 2 submitters: Uncertain significance (2). Last evaluated 2025-04-29.

Conditions:
Hereditary cancer-predisposing syndrome. Also called: Neoplastic Syndromes, Hereditary; Tumor predisposition; Hereditary Cancer Syndrome; Hereditary neoplastic syndrome. Identifiers: Orphanet 140162, MedGen C0027672, MeSH D009386, MONDO:0015356.
Familial cancer of breast. Also called: hereditary breast carcinoma; Hereditary breast cancer; BREAST CANCER, FAMILIAL. Identifiers: Orphanet 227535, MedGen C0346153, MONDO:0016419, OMIM 114480. Disease mechanism: loss of function.

Submissions (2):

Ambry Genetics
Classification: Uncertain significance for Hereditary cancer-predisposing syndrome. Last evaluated: 2025-04-29. Review status: criteria provided, single submitter. Criteria: Ambry Variant Classification Scheme 2023. Collection method: clinical testing. Allele origin: germline.
Comment: The c.909-6T>A intronic variant results from a T to A substitution 6 nucleotides upstream from coding exon 8 in the CHEK2 gene. In silico splice site analysis predicts that this alteration may weaken the native splice acceptor site and will result in the creation or strengthening of a novel splice acceptor site; however, direct evidence is insufficient at this time (Ambry internal data). Based on the available evidence, the clinical significance of this variant remains unclear.

Labcorp Genetics (formerly Invitae), Labcorp
Classification: Uncertain significance for Familial cancer of breast. Last evaluated: 2024-11-05. Review status: criteria provided, single submitter. Criteria: Invitae Variant Classification Sherloc (09022015). Collection method: clinical testing. Allele origin: germline.
Comment: This sequence change falls in intron 8 of the CHEK2 gene. It does not directly change the encoded amino acid sequence of the CHEK2 protein. This variant is not present in population databases (gnomAD no frequency). This variant has not been reported in the literature in individuals affected with CHEK2-related conditions. ClinVar contains an entry for this variant (Variation ID: 2707776). Algorithms developed to predict the effect of sequence changes on RNA splicing suggest that this variant may disrupt the consensus splice site. In summary, the available evidence is currently insufficient to determine the role of this variant in disease. Therefore, it has been classified as a Variant of Uncertain Significance.